The following is an entry in ClinVar:

ClinVar aggregate classification (germline): Uncertain significance (1 of 4 stars; one submission).

Conditions:
Developmental and epileptic encephalopathy, 14 (DEE14). Also called: Early infantile epileptic encephalopathy 14. Identifiers: Orphanet 293181, MedGen C3554195, MONDO:0013989, OMIM 614959.
Autosomal dominant nocturnal frontal lobe epilepsy 5. Also called: Epilepsy, nocturnal frontal lobe, 5; CILIARY DYSKINESIA, PRIMARY, 28, WITH SITUS INVERSUS; CILIARY DYSKINESIA, PRIMARY, 28, WITHOUT SITUS INVERSUS; KCNT1-Related Epilepsy. Identifiers: Orphanet 98784, MedGen C3554306, MONDO:0014002, OMIM 615005.

Allele frequency attached by ClinVar (database versions not stated): TOPMed below 0.00001.

Submission:

Labcorp Genetics (formerly Invitae), Labcorp
Classification: Uncertain significance for Autosomal dominant nocturnal frontal lobe epilepsy 5; Developmental and epileptic encephalopathy, 14. Last evaluated: 2022-10-25. Review status: criteria provided, single submitter. Criteria: Invitae Variant Classification Sherloc (09022015). Collection method: clinical testing. Allele origin: germline.
Comment: In summary, the available evidence is currently insufficient to determine the role of this variant in disease. Therefore, it has been classified as a Variant of Uncertain Significance. Advanced modeling of protein sequence and biophysical properties (such as structural, functional, and spatial information, amino acid conservation, physicochemical variation, residue mobility, and thermodynamic stability) performed at Invitae indicates that this missense variant is not expected to disrupt KCNT1 protein function. This variant has not been reported in the literature in individuals affected with KCNT1-related conditions. This variant is not present in population databases (gnomAD no frequency). This sequence change replaces lysine, which is basic and polar, with threonine, which is neutral and polar, at codon 1119 of the KCNT1 protein (p.Lys1119Thr).

NM_020822.3(KCNT1):c.3356A>C (p.Lys1119Thr)

Gene: KCNT1 (potassium sodium-activated channel subfamily T member 1; plus strand). Cytogenetic location: 9q34.3.
Variant type: single nucleotide variant.
Coding change: c.3356A>C on transcript NM_020822.3 (MANE Select); coding-DNA position 3356, A replaced by C.
Protein change: p.Lys1119Thr; replaces lysine 1119 with threonine.
Molecular consequence: missense variant.
Genome position (GRCh38, 1-based): chr9:135,786,375, A>C. VCF-style: chr9-135786375-A-C. GRCh37 (hg19) VCF-style: chr9-138678221-A-C.
Other names: c.3221A>C, p.Lys1074Thr (NM_001272003.2); short protein forms K1119T, K1074T.
Identifiers: ClinVar variation 2059415 (VCV002059415.4), dbSNP rs781049969, ClinGen allele CA375491785.
Genomic context (GRCh38, chr9:135,786,375, plus strand): 5'-CCGCAGAGCACCCACTGCTACGGCGCAAGAGCCTGCAGTGGGCCCGGAGGCTGAGCCGCA[A>C]GGCGCCCAAGCAGGCAGGCCGGGCGGCGGCCGCGGAGTGGATCAGCCAGCAGCGCCTCAG-3'
Protein context (NP_065873.2, residues 1109-1129): SLQWARRLSR[Lys1119Thr]APKQAGRAAA